The following is an entry in ClinVar:

ClinVar aggregate classification (germline): Benign. Review status: criteria provided, multiple submitters, no conflicts (2 of 4 stars). 4 submissions from 4 submitters: Benign (4). Last evaluated 2021-11-07.

Conditions:
Lysinuric protein intolerance (LPI). Identifiers: Orphanet 470, MedGen C0268647, MONDO:0009109, OMIM 222700.

Allele frequency attached by ClinVar (database versions not stated): ExAC 0.52939; gnomAD 0.55817 and 0.55936; TOPMed 0.56710; gnomAD exomes 0.57026 and 0.58712; 1000 Genomes Project 30x 0.57386; 1000 Genomes Project 0.57808.
gnomAD v4.1: 257,443 of 454,208 alleles (57%); highest among the groups gnomAD compares: Admixed American, 67%; 74,098 homozygotes.

Submissions (4):

Genome-Nilou Lab
Classification: Benign for Lysinuric protein intolerance. Last evaluated: 2021-11-07. Review status: criteria provided, single submitter. Criteria: ACMG Guidelines, 2015. Collection method: clinical testing. Allele origin: germline. Affected: no.

GeneDx
Classification: Benign. Last evaluated: 2018-06-29. Review status: criteria provided, single submitter. Criteria: GeneDx Variant Classification Process June 2021. Collection method: clinical testing. Allele origin: germline. Affected: yes.

Illumina Laboratory Services, Illumina
Classification: Benign for Lysinuric protein intolerance. Last evaluated: 2018-01-13. Review status: criteria provided, single submitter. Criteria: ICSL Variant Classification Criteria 13 December 2019. Collection method: clinical testing. Allele origin: germline.
Comment: This variant was observed in the ICSL laboratory as part of a predisposition screen in an ostensibly healthy population. It had not been previously curated by ICSL or reported in the Human Gene Mutation Database (HGMD: prior to June 1st, 2018), and was therefore a candidate for classification through an automated scoring system. Utilizing variant allele frequency, disease prevalence and penetrance estimates, and inheritance mode, an automated score was calculated to assess if this variant is too frequent to cause the disease. Based on the score and internal cut-off values, a variant classified as benign is not then subjected to further curation. The score for this variant resulted in a classification of benign for this disease.

Breakthrough Genomics
Classification: Benign. Review status: criteria provided, single submitter. Criteria: ACMG Guidelines, 2015. Collection method: not provided. Allele origin: germline. Inheritance: Autosomal recessive inheritance. Affected: yes.

NM_003982.4(SLC7A7):c.-86T>C

Gene: SLC7A7 (solute carrier family 7 member 7; minus strand). Cytogenetic location: 14q11.2.
Variant type: single nucleotide variant.
Coding change: c.-86T>C on transcript NM_003982.4 (MANE Select); 86 bases upstream of the start codon, T replaced by C.
Molecular consequence: 5 prime UTR variant.
Genome position (GRCh38, 1-based): chr14:22,815,363, A>G on the plus strand (T>C on the coding strand, the complement: SLC7A7 is on the minus strand). VCF-style: chr14-22815363-A-G. GRCh37 (hg19) VCF-style: chr14-23284572-A-G.
Other names: c.-86T>C (NM_001126105.3, NM_001126106.4).
Identifiers: ClinVar variation 312832 (VCV000312832.10), dbSNP rs2281677, ClinGen allele CA7104798.